The following is an entry in ClinVar:

NM_002485.5(NBN):c.1363A>G (p.Ile455Val)

Gene: NBN (nibrin; minus strand). Cytogenetic location: 8q21.3.
Variant type: single nucleotide variant.
Coding change: c.1363A>G on transcript NM_002485.5 (MANE Select); coding-DNA position 1363, A replaced by G.
Protein change: p.Ile455Val; replaces isoleucine 455 with valine.
Molecular consequence: missense variant.
Genome position (GRCh38, 1-based): chr8:89,955,317, T>C on the plus strand (A>G on the coding strand, the complement: NBN is on the minus strand). VCF-style: chr8-89955317-T-C. GRCh37 (hg19) VCF-style: chr8-90967545-T-C.
Other names: c.1117A>G, p.Ile373Val (NM_001024688.3); short protein forms I455V, I373V.
Identifiers: ClinVar variation 628170 (VCV000628170.23), dbSNP rs1554559041, ClinGen allele CA371656025.
Genomic context (GRCh38, chr8:89,955,317, plus strand): 5'-CATGAGAGAAGTTATCAAAAACAGACCTTTTTTTGGTAGACGGCTGAAAGTAGTTTCTGA[T>C]GGAGTTGGTCTGCTGCTGCTGAGAAGCCCTATCTTTACTTTTATTTATACTTGGCAATTT-3'
Protein context (NP_002476.2, residues 445-465): RASQQQQTNS[Ile455Val]RNYFQPSTKK

ClinVar aggregate classification (germline): Uncertain significance. Review status: criteria provided, multiple submitters, no conflicts (2 of 4 stars). 6 submissions from 6 submitters: Uncertain significance (5). 1 of the submissions does not count toward it. Last evaluated 2024-11-11.

Conditions:
Microcephaly, normal intelligence and immunodeficiency (NBS). Also called: BERLIN BREAKAGE SYNDROME; Ataxia telangiectasia variant V1; IMMUNODEFICIENCY, MICROCEPHALY, AND CHROMOSOMAL INSTABILITY; SEEMANOVA SYNDROME II; Immunodeficiency, microcephaly with normal intelligence; Nijmegen breakage syndrome. Identifiers: Orphanet 647, MedGen C0398791, MONDO:0009623, OMIM 251260.
Hereditary cancer-predisposing syndrome. Also called: Tumor predisposition; Neoplastic Syndromes, Hereditary; Hereditary Cancer Syndrome; Hereditary neoplastic syndrome. Identifiers: Orphanet 140162, MedGen C0027672, MeSH D009386, MONDO:0015356.

Allele frequency attached by ClinVar (database versions not stated): gnomAD exomes below 0.00001.
gnomAD v4.1: 1 of 1,613,896 alleles (0.000062%); highest among the groups gnomAD compares: Admixed American, 0.0017%; no homozygotes.

Submissions (6):

Women's Health and Genetics/Laboratory Corporation of America, LabCorp
Classification: Uncertain significance. Last evaluated: 2024-11-11. Review status: criteria provided, single submitter. Criteria: LabCorp Variant Classification Summary - May 2015. Collection method: clinical testing. Allele origin: germline.
Comment: Variant summary: NBN c.1363A>G (p.Ile455Val) results in a conservative amino acid change in the encoded protein sequence. Three of five in-silico tools predict a benign effect of the variant on protein function. The variant was absent in 251230 control chromosomes (gnomAD). The available data on variant occurrences in the general population are insufficient to allow any conclusion about variant significance. c.1363A>G has been reported in the literature in individuals affected with breast cancer without cosegregation information (Dorling_2021). This report does not provide unequivocal conclusions about association of the variant with Hereditary Breast And Ovarian Cancer Syndrome. To our knowledge, no experimental evidence demonstrating an impact on protein function has been reported. The following publication has been ascertained in the context of this evaluation (PMID: 33471991). ClinVar contains an entry for this variant (Variation ID: 628170). Based on the evidence outlined above, the variant was classified as uncertain significance.

Ambry Genetics
Classification: Uncertain significance for Hereditary cancer-predisposing syndrome. Last evaluated: 2024-04-06. Review status: criteria provided, single submitter. Criteria: Ambry Variant Classification Scheme 2023. Collection method: clinical testing. Allele origin: germline.
Comment: The p.I455V variant (also known as c.1363A>G), located in coding exon 10 of the NBN gene, results from an A to G substitution at nucleotide position 1363. The isoleucine at codon 455 is replaced by valine, an amino acid with highly similar properties. This amino acid position is highly conserved in available vertebrate species. In addition, this alteration is predicted to be tolerated by in silico analysis. Since supporting evidence is limited at this time, the clinical significance of this alteration remains unclear.

Quest Diagnostics Nichols Institute San Juan Capistrano
Classification: Uncertain significance. Last evaluated: 2024-03-26. Review status: criteria provided, single submitter. Criteria: Quest Diagnostics criteria. Collection method: clinical testing. Allele origin: unknown.
Comment: The NBN c.1363A>G (p.Ile455Val) variant has been observed in the published literature in individuals with breast cancer (PMID: 33471991 (2021), see also LOVD as well as a reportedly healthy individual (PMID: 31206626 (2019)). This variant has not been reported in large, multi-ethnic general populations (Genome Aggregation Database). Analysis of this variant using bioinformatics tools for the prediction of the effect of amino acid changes on protein structure and function yielded conflicting predictions that this variant is benign or damaging. Based on the available information, we are unable to determine the clinical significance of this variant.

Labcorp Genetics (formerly Invitae), Labcorp
Classification: Uncertain significance for Microcephaly, normal intelligence and immunodeficiency. Last evaluated: 2023-10-30. Review status: criteria provided, single submitter. Criteria: Invitae Variant Classification Sherloc (09022015). Collection method: clinical testing. Allele origin: germline.
Comment: This sequence change replaces isoleucine, which is neutral and non-polar, with valine, which is neutral and non-polar, at codon 455 of the NBN protein (p.Ile455Val). This variant is not present in population databases (gnomAD no frequency). This variant has not been reported in the literature in individuals affected with NBN-related conditions. ClinVar contains an entry for this variant (Variation ID: 628170). An algorithm developed to predict the effect of missense changes on protein structure and function (PolyPhen-2) suggests that this variant is likely to be disruptive. In summary, the available evidence is currently insufficient to determine the role of this variant in disease. Therefore, it has been classified as a Variant of Uncertain Significance.

Genome-Nilou Lab
Classification: Uncertain significance for Microcephaly, normal intelligence and immunodeficiency. Last evaluated: 2021-11-07. Review status: criteria provided, single submitter. Criteria: ACMG Guidelines, 2015. Collection method: clinical testing. Allele origin: germline. Affected: no.

Natera, Inc.
Classification: Uncertain significance for Nijmegen breakage syndrome. Last evaluated: 2025-02-12. Review status: no assertion criteria provided. Collection method: clinical testing. Allele origin: germline. Not counted in ClinVar's aggregate classification.

Literature cited by the submitters: PubMed 33471991 (cited by Women's Health and Genetics/Laboratory Corporation of America, LabCorp and Quest Diagnostics Nichols Institute San Juan Capistrano); PubMed 31206626 (cited by Quest Diagnostics Nichols Institute San Juan Capistrano); PubMed 28548104 (cited by Quest Diagnostics Nichols Institute San Juan Capistrano).